The following is an entry in ClinVar:

ClinVar aggregate classification (germline): Uncertain significance (1 of 4 stars; one submission).

Conditions:
Hereditary cancer-predisposing syndrome. Also called: Tumor predisposition; Hereditary neoplastic syndrome; Neoplastic Syndromes, Hereditary; Hereditary Cancer Syndrome. Identifiers: Orphanet 140162, MedGen C0027672, MeSH D009386, MONDO:0015356.

Submission:

Ambry Genetics
Classification: Uncertain significance for Hereditary cancer-predisposing syndrome. Last evaluated: 2026-07-14. Review status: criteria provided, single submitter. Criteria: Ambry Variant Classification Scheme 2023. Collection method: clinical testing. Allele origin: germline.
Comment: The p.D1644E variant (also known as c.4932C>G), located in coding exon 37 of the TSC2 gene, results from a C to G substitution at nucleotide position 4932. The aspartic acid at codon 1644 is replaced by glutamic acid, an amino acid with highly similar properties. This amino acid position is highly conserved in available vertebrate species. In addition, this alteration is predicted to be deleterious by in silico analysis. Based on the available evidence, the clinical significance of this variant remains unclear.

NM_000548.5(TSC2):c.4932C>G (p.Asp1644Glu)

Gene: TSC2 (TSC complex subunit 2; plus strand). Cytogenetic location: 16p13.3.
Variant type: single nucleotide variant.
Coding change: c.4932C>G on transcript NM_000548.5 (MANE Select); coding-DNA position 4932, C replaced by G.
Protein change: p.Asp1644Glu; replaces aspartic acid 1644 with glutamic acid.
Molecular consequence: missense variant.
Genome position (GRCh38, 1-based): chr16:2,086,814, C>G. VCF-style: chr16-2086814-C-G. GRCh37 (hg19) VCF-style: chr16-2136815-C-G.
Other names: c.4731C>G, p.Asp1577Glu (NM_001077183.3); c.4863C>G, p.Asp1621Glu (NM_001114382.3); c.4623C>G, p.Asp1541Glu (NM_001318827.2); c.4587C>G, p.Asp1529Glu (NM_001318829.2); c.4200C>G, p.Asp1400Glu (NM_001318831.2); c.4764C>G, p.Asp1588Glu (NM_001318832.2); c.4734C>G, p.Asp1578Glu (NM_001363528.2); c.4800C>G, p.Asp1600Glu (NM_001370404.1); and 1 more; short protein forms D1588E, D1601E, D1400E, D1577E, D1600E, D1578E, D1529E, D1541E.
Identifiers: ClinVar variation 825304 (VCV000825304.5), dbSNP rs1395198412, ClinGen allele CA394308669.